The following is an entry in ClinVar:

NM_004448.4(ERBB2):c.3541G>A (p.Val1181Ile)

Gene: ERBB2 (erb-b2 receptor tyrosine kinase 2; plus strand). Cytogenetic location: 17q12.
Variant type: single nucleotide variant.
Coding change: c.3541G>A on transcript NM_004448.4 (MANE Select); coding-DNA position 3541, G replaced by A.
Protein change: p.Val1181Ile; replaces valine 1181 with isoleucine.
Molecular consequence: missense variant. On other transcripts: 3 prime UTR variant (2), non-coding transcript variant (1).
Genome position (GRCh38, 1-based): chr17:39,727,817, G>A. VCF-style: chr17-39727817-G-A. GRCh37 (hg19) VCF-style: chr17-37884070-G-A.
Other names: c.3451G>A, p.Val1151Ile (NM_001005862.3, NM_001382782.1, NM_001382783.1); c.3496G>A, p.Val1166Ile (NM_001289936.2); c.*120G>A (NM_001289937.2, NM_001382803.1); c.3658G>A, p.Val1220Ile (NM_001382784.1); c.3643G>A, p.Val1215Ile (NM_001382785.1); c.3622G>A, p.Val1208Ile (NM_001382786.1); c.3616G>A, p.Val1206Ile (NM_001382787.1); c.3571G>A, p.Val1191Ile (NM_001382788.1); and 16 more; short protein forms V1113I, V1121I, V1151I, V1169I, V1180I, V1188I, V905I, V1095I.
Identifiers: ClinVar variation 2179817 (VCV002179817.4), dbSNP rs776754071, ClinGen allele CA8534581.

ClinVar aggregate classification (germline): Uncertain significance (1 of 4 stars; one submission).

Allele frequency attached by ClinVar (database versions not stated): ExAC 0.00001; gnomAD exomes 0.00001; gnomAD 0.00002; TOPMed 0.00002.
gnomAD v4.1: 21 of 1,613,498 alleles (0.0013%); highest among the groups gnomAD compares: East Asian, 0.0045%; no homozygotes.

Submission:

Labcorp Genetics (formerly Invitae), Labcorp
Classification: Uncertain significance. Last evaluated: 2023-10-22. Review status: criteria provided, single submitter. Criteria: Invitae Variant Classification Sherloc (09022015). Collection method: clinical testing. Allele origin: germline.
Comment: This sequence change replaces valine, which is neutral and non-polar, with isoleucine, which is neutral and non-polar, at codon 1181 of the ERBB2 protein (p.Val1181Ile). This variant is present in population databases (rs776754071, gnomAD 0.002%). This variant has not been reported in the literature in individuals affected with ERBB2-related conditions. ClinVar contains an entry for this variant (Variation ID: 2179817). Algorithms developed to predict the effect of missense changes on protein structure and function output the following: SIFT: "Not Available"; PolyPhen-2: "Benign"; Align-GVGD: "Not Available". The isoleucine amino acid residue is found in multiple mammalian species, which suggests that this missense change does not adversely affect protein function. In summary, the available evidence is currently insufficient to determine the role of this variant in disease. Therefore, it has been classified as a Variant of Uncertain Significance.